The following is an entry in ClinVar:

ClinVar aggregate classification (germline): Uncertain significance (1 of 4 stars; one submission).

Submission:

Labcorp Genetics (formerly Invitae), Labcorp
Classification: Uncertain significance. Last evaluated: 2022-09-13. Review status: criteria provided, single submitter. Criteria: Invitae Variant Classification Sherloc (09022015). Collection method: clinical testing. Allele origin: germline.
Comment: Advanced modeling of protein sequence and biophysical properties (such as structural, functional, and spatial information, amino acid conservation, physicochemical variation, residue mobility, and thermodynamic stability) performed at Invitae indicates that this missense variant is not expected to disrupt LAMA5 protein function. This sequence change replaces arginine, which is basic and polar, with serine, which is neutral and polar, at codon 1872 of the LAMA5 protein (p.Arg1872Ser). This variant is not present in population databases (gnomAD no frequency). This variant has not been reported in the literature in individuals affected with LAMA5-related conditions. ClinVar contains an entry for this variant (Variation ID: 1524450). In summary, the available evidence is currently insufficient to determine the role of this variant in disease. Therefore, it has been classified as a Variant of Uncertain Significance.

NM_005560.6(LAMA5):c.5614C>A (p.Arg1872Ser)

Gene: LAMA5 (laminin subunit alpha 5; minus strand). Cytogenetic location: 20q13.33.
Variant type: single nucleotide variant.
Coding change: c.5614C>A on transcript NM_005560.6 (MANE Select); coding-DNA position 5614, C replaced by A.
Protein change: p.Arg1872Ser; replaces arginine 1872 with serine.
Molecular consequence: missense variant.
Genome position (GRCh38, 1-based): chr20:62,324,470, G>T on the plus strand (C>A on the coding strand, the complement: LAMA5 is on the minus strand). VCF-style: chr20-62324470-G-T. GRCh37 (hg19) VCF-style: chr20-60899526-G-T.
Other names: short protein forms R1872S.
Identifiers: ClinVar variation 1524450 (VCV001524450.6), dbSNP rs200431325, ClinGen allele CA409562333.